The following is an entry in ClinVar:

NM_024408.4(NOTCH2):c.2587C>T (p.Pro863Ser)

Gene: NOTCH2 (notch receptor 2; minus strand). Cytogenetic location: 1p12.
Variant type: single nucleotide variant.
Coding change: c.2587C>T on transcript NM_024408.4 (MANE Select); coding-DNA position 2587, C replaced by T.
Protein change: p.Pro863Ser; replaces proline 863 with serine.
Molecular consequence: missense variant.
Genome position (GRCh38, 1-based): chr1:119,949,019, G>A on the plus strand (C>T on the coding strand, the complement: NOTCH2 is on the minus strand). VCF-style: chr1-119949019-G-A. GRCh37 (hg19) VCF-style: chr1-120491642-G-A.
Other names: c.2587C>T, p.Pro863Ser (NM_001200001.2); short protein forms P863S.
Identifiers: ClinVar variation 1034042 (VCV001034042.1), dbSNP rs1650362306, ClinGen allele CA341858886.
Genomic context (GRCh38, chr1:119,949,019, plus strand): 5'-TTAAAGTCAGAATGCATGTTCTTGGCTTCTCCACACCCATGTTCTTACCTTGCCAGCCAG[G>A]AGCACACAAGCAAGTATAACTCTCAAAATTTGGTGACTCTTTGCAAACAGCAGCATTCTC-3'
Protein context (NP_077719.2, residues 853-873): NFESYTCLCA[Pro863Ser]GWQGQRCTID

ClinVar aggregate classification (germline): Likely pathogenic (1 of 4 stars; one submission).

Conditions:
Alagille syndrome due to a NOTCH2 point mutation. Also called: Alagille syndrome 2. Identifiers: Orphanet 261629, Orphanet 52, MedGen C1857761, MONDO:0012439, OMIM 610205.

gnomAD v4.1: 1 of 1,614,124 alleles (0.000062%); highest among the groups gnomAD compares: South Asian, 0.0011%; no homozygotes.

Submission:

Baylor Genetics
Classification: Likely pathogenic for Alagille syndrome due to a NOTCH2 point mutation. Last evaluated: 2018-05-02. Review status: criteria provided, single submitter. Criteria: ACMG Guidelines, 2015. Collection method: clinical testing. Allele origin: de novo. Affected: yes.
Comment: This variant was determined to be likely pathogenic according to ACMG Guidelines, 2015 [PMID:25741868].